The following is an entry in ClinVar:

ClinVar aggregate classification (germline): Uncertain significance (1 of 4 stars; one submission).

Allele frequency attached by ClinVar (database versions not stated): gnomAD exomes 0.00001.
gnomAD v4.1: 3 of 1,613,860 alleles (0.00019%); highest among the groups gnomAD compares: Admixed American, 0.0033%; no homozygotes.

Submission:

Ambry Genetics
Classification: Uncertain significance. Last evaluated: 2022-09-24. Review status: criteria provided, single submitter. Criteria: Ambry Variant Classification Scheme 2023. Collection method: clinical testing. Allele origin: germline.
Comment: The p.V1011M variant (also known as c.3031G>A), located in coding exon 16 of the NPAT gene, results from a G to A substitution at nucleotide position 3031. The valine at codon 1011 is replaced by methionine, an amino acid with highly similar properties. This amino acid position is conserved. In addition, this alteration is predicted to be tolerated by in silico analysis. Since supporting evidence is limited at this time, the clinical significance of this alteration remains unclear.

NM_002519.3(NPAT):c.3031G>A (p.Val1011Met)

Gene: NPAT (nuclear protein, coactivator of histone transcription; minus strand). Cytogenetic location: 11q22.3.
Variant type: single nucleotide variant.
Coding change: c.3031G>A on transcript NM_002519.3 (MANE Select); coding-DNA position 3031, G replaced by A.
Protein change: p.Val1011Met; replaces valine 1011 with methionine.
Molecular consequence: missense variant.
Genome position (GRCh38, 1-based): chr11:108,162,160, C>T on the plus strand (G>A on the coding strand, the complement: NPAT is on the minus strand). VCF-style: chr11-108162160-C-T. GRCh37 (hg19) VCF-style: chr11-108032887-C-T.
Other names: c.3031G>A, p.Val1011Met (NM_001321307.1); short protein forms V1011M.
Identifiers: ClinVar variation 1799051 (VCV001799051.2), dbSNP rs1269180868, ClinGen allele CA382511686.